The following is an entry in ClinVar:

ClinVar aggregate classification (germline): Conflicting classifications of pathogenicity. Review status: criteria provided, conflicting classifications (1 of 4 stars). 5 submissions from 5 submitters: Uncertain significance (1); Likely benign (2). 2 of the submissions do not count toward it. Last evaluated 2026-01-18.

Conditions:
Inborn genetic diseases. Identifiers: MedGen C0950123, MeSH D030342.

Allele frequency attached by ClinVar (database versions not stated): gnomAD exomes 0.00047 and 0.00101; ExAC 0.00063; TOPMed 0.00067; ESP Exome Variant Server 0.00068; gnomAD 0.00073 and 0.00077.
gnomAD v4.1: 1,544 of 1,594,750 alleles (0.097%); highest among the groups gnomAD compares: Non-Finnish European, 0.12%; 1 homozygote.

Submissions (5):

Labcorp Genetics (formerly Invitae), Labcorp
Classification: Likely benign. Last evaluated: 2026-01-18. Review status: criteria provided, single submitter. Criteria: Invitae Variant Classification Sherloc (09022015). Collection method: clinical testing. Allele origin: germline.

CeGaT Center for Human Genetics Tuebingen
Classification: Likely benign. Last evaluated: 2023-12-01. Review status: criteria provided, single submitter. Criteria: CeGaT Center For Human Genetics Tuebingen Variant Classification Criteria Version 2. Collection method: clinical testing. Allele origin: germline. Affected: yes. Observed: 2 variant alleles.
Comment: MPDZ: BP4

Ambry Genetics
Classification: Uncertain significance for Inborn genetic diseases. Last evaluated: 2022-09-02. Review status: criteria provided, single submitter. Criteria: Ambry Variant Classification Scheme 2023. Collection method: clinical testing. Allele origin: germline.

Clinical Genetics DNA and cytogenetics Diagnostics Lab, Erasmus MC, Erasmus Medical Center
Classification: Likely benign. Review status: no assertion criteria provided. Collection method: clinical testing. Allele origin: germline. Affected: yes. Study: VKGL Data-share Consensus. Not counted in ClinVar's aggregate classification.

Laboratory of Diagnostic Genome Analysis, Leiden University Medical Center (LUMC)
Classification: Likely benign. Review status: no assertion criteria provided. Collection method: clinical testing. Allele origin: germline. Affected: yes. Study: VKGL Data-share Consensus. Not counted in ClinVar's aggregate classification.

NM_001378778.1(MPDZ):c.13A>G (p.Ile5Val)

Gene: MPDZ (multiple PDZ domain crumbs cell polarity complex component; minus strand). Cytogenetic location: 9p23.
Variant type: single nucleotide variant.
Coding change: c.13A>G on transcript NM_001378778.1 (MANE Select); coding-DNA position 13, A replaced by G.
Protein change: p.Ile5Val; replaces isoleucine 5 with valine.
Molecular consequence: missense variant.
Genome position (GRCh38, 1-based): chr9:13,250,303, T>C on the plus strand (A>G on the coding strand, the complement: MPDZ is on the minus strand). VCF-style: chr9-13250303-T-C. GRCh37 (hg19) VCF-style: chr9-13250302-T-C.
Other names: c.13A>G (NM_003829.3); c.13A>G, p.Ile5Val (NM_001375420.1, NM_001375421.1, NM_001375422.1 and 14 more transcripts); short protein forms I5V.
Identifiers: ClinVar variation 732577 (VCV000732577.34), dbSNP rs200455569, ClinGen allele CA4988295.